The following is an entry in ClinVar:

ClinVar aggregate classification (germline): Likely benign. Review status: criteria provided, multiple submitters, no conflicts (2 of 4 stars). 2 submissions from 2 submitters: Likely benign (2). Last evaluated 2026-06-01.

Allele frequency attached by ClinVar (database versions not stated): ExAC 0.00002; gnomAD 0.00003 and 0.00004; TOPMed 0.00003.
gnomAD v4.1: 28 of 1,597,760 alleles (0.0018%); highest among the groups gnomAD compares: Admixed American, 0.021%; no homozygotes.

Submissions (2):

CeGaT Center for Human Genetics Tuebingen
Classification: Likely benign. Last evaluated: 2026-06-01. Review status: criteria provided, single submitter. Criteria: CeGaT Center For Human Genetics Tuebingen Variant Classification Criteria Version 2. Collection method: clinical testing. Allele origin: germline. Affected: yes. Observed: 1 variant allele.
Comment: HSPG2: BP4, BP7

Labcorp Genetics (formerly Invitae), Labcorp
Classification: Likely benign. Last evaluated: 2025-04-22. Review status: criteria provided, single submitter. Criteria: Invitae Variant Classification Sherloc (09022015). Collection method: clinical testing. Allele origin: germline.

NM_005529.7(HSPG2):c.1860C>T (p.Tyr620=)

Gene: HSPG2 (heparan sulfate proteoglycan 2; minus strand). Cytogenetic location: 1p36.12.
Variant type: single nucleotide variant.
Coding change: c.1860C>T on transcript NM_005529.7 (MANE Select); coding-DNA position 1860, C replaced by T.
Protein change: p.Tyr620=; no amino-acid change (tyrosine 620 retained).
Molecular consequence: synonymous variant.
Genome position (GRCh38, 1-based): chr1:21,880,794, G>A on the plus strand (C>T on the coding strand, the complement: HSPG2 is on the minus strand). VCF-style: chr1-21880794-G-A. GRCh37 (hg19) VCF-style: chr1-22207287-G-A.
Other names: c.1863C>T, p.Tyr621= (NM_001291860.2).
Identifiers: ClinVar variation 1614884 (VCV001614884.10), dbSNP rs764415919, ClinGen allele CA673258.